The following is an entry in ClinVar:

ClinVar aggregate classification (germline): Uncertain significance. Review status: criteria provided, multiple submitters, no conflicts (2 of 4 stars). 2 submissions from 2 submitters: Uncertain significance (2). Last evaluated 2024-05-22.

Conditions:
Hereditary cancer-predisposing syndrome. Also called: Hereditary neoplastic syndrome; Hereditary Cancer Syndrome; Neoplastic Syndromes, Hereditary; Tumor predisposition. Identifiers: Orphanet 140162, MedGen C0027672, MeSH D009386, MONDO:0015356.
Familial cancer of breast. Also called: Hereditary breast cancer; BREAST CANCER, FAMILIAL; hereditary breast carcinoma. Identifiers: Orphanet 227535, MedGen C0346153, MONDO:0016419, OMIM 114480. Disease mechanism: loss of function.

Allele frequency attached by ClinVar (database versions not stated): gnomAD exomes below 0.00001 and 0.00001; TOPMed below 0.00001.
gnomAD v4.1: 2 of 1,613,360 alleles (0.00012%); highest among the groups gnomAD compares: Admixed American, 0.0033%; no homozygotes.

Submissions (2):

Labcorp Genetics (formerly Invitae), Labcorp
Classification: Uncertain significance for Familial cancer of breast. Last evaluated: 2024-05-22. Review status: criteria provided, single submitter. Criteria: Invitae Variant Classification Sherloc (09022015). Collection method: clinical testing. Allele origin: germline.
Comment: This sequence change replaces aspartic acid, which is acidic and polar, with glycine, which is neutral and non-polar, at codon 117 of the BARD1 protein (p.Asp117Gly). This variant is present in population databases (no rsID available, gnomAD 0.006%). This variant has not been reported in the literature in individuals affected with BARD1-related conditions. ClinVar contains an entry for this variant (Variation ID: 229866). Algorithms developed to predict the effect of missense changes on protein structure and function output the following: SIFT: "Not Available"; PolyPhen-2: "Benign"; Align-GVGD: "Not Available". The glycine amino acid residue is found in multiple mammalian species, which suggests that this missense change does not adversely affect protein function. In summary, the available evidence is currently insufficient to determine the role of this variant in disease. Therefore, it has been classified as a Variant of Uncertain Significance.

Ambry Genetics
Classification: Uncertain significance for Hereditary cancer-predisposing syndrome. Last evaluated: 2023-05-19. Review status: criteria provided, single submitter. Criteria: Ambry Variant Classification Scheme 2023. Collection method: clinical testing. Allele origin: germline.
Comment: The p.D117G variant (also known as c.350A>G), located in coding exon 3 of the BARD1 gene, results from an A to G substitution at nucleotide position 350. The aspartic acid at codon 117 is replaced by glycine, an amino acid with similar properties. This amino acid position is not well conserved in available vertebrate species. In addition, this alteration is predicted to be tolerated by in silico analysis. Since supporting evidence is limited at this time, the clinical significance of this alteration remains unclear.

NM_000465.4(BARD1):c.350A>G (p.Asp117Gly)

Gene: BARD1 (BRCA1 associated RING domain 1; minus strand). Cytogenetic location: 2q35.
Variant type: single nucleotide variant.
Coding change: c.350A>G on transcript NM_000465.4 (MANE Select); coding-DNA position 350, A replaced by G.
Protein change: p.Asp117Gly; replaces aspartic acid 117 with glycine.
Molecular consequence: missense variant. On other transcripts: non-coding transcript variant (1), intron variant (2).
Genome position (GRCh38, 1-based): chr2:214,792,311, T>C on the plus strand (A>G on the coding strand, the complement: BARD1 is on the minus strand). VCF-style: chr2-214792311-T-C. GRCh37 (hg19) VCF-style: chr2-215657035-T-C.
Other names: c.293A>G, p.Asp98Gly (NM_001282543.2); c.350A>G, p.Asp117Gly (NM_001282549.2); c.158+17101A>G (NM_001282548.2); c.215+4750A>G (NM_001282545.2); short protein forms D117G, D98G.
Identifiers: ClinVar variation 229866 (VCV000229866.10), dbSNP rs876658241, ClinGen allele CA10577849.